The following is an entry in ClinVar:

NM_001009944.3(PKD1):c.3308T>G (p.Leu1103Arg)

Gene: PKD1 (polycystin 1, transient receptor potential channel interacting; minus strand). Cytogenetic location: 16p13.3.
Variant type: single nucleotide variant.
Coding change: c.3308T>G on transcript NM_001009944.3 (MANE Select); coding-DNA position 3308, T replaced by G.
Protein change: p.Leu1103Arg; replaces leucine 1103 with arginine.
Molecular consequence: missense variant.
Genome position (GRCh38, 1-based): chr16:2,111,859, A>C on the plus strand (T>G on the coding strand, the complement: PKD1 is on the minus strand). VCF-style: chr16-2111859-A-C. GRCh37 (hg19) VCF-style: chr16-2161860-A-C.
Other names: c.3308T>G, p.Leu1103Arg (NM_000296.4); short protein forms L1103R.
Identifiers: ClinVar variation 1699064 (VCV001699064.4), dbSNP rs2151801930, ClinGen allele CA394383338.

ClinVar aggregate classification (germline): Uncertain significance. Review status: criteria provided, multiple submitters, no conflicts (2 of 4 stars). 2 submissions from 2 submitters: Uncertain significance (2). Last evaluated 2022-02-02.

Conditions:
Polycystic kidney disease, adult type (PKD1). Also called: Polycystic Kidney Disease 1, Autosomal Dominant; Polycystic kidney disease 1; Polycystic kidney disease 1, severe; Polycystic Kidney, Autosomal Dominant; POLYCYSTIC KIDNEY DISEASE 1 WITH OR WITHOUT POLYCYSTIC LIVER DISEASE; POLYCYSTIC KIDNEY DISEASE, ADULT, TYPE I. Identifiers: MedGen C3149841, MONDO:0008263, OMIM 173900.

Submissions (2):

Victorian Clinical Genetics Services, Murdoch Childrens Research Institute
Classification: Uncertain significance for Polycystic kidney disease, adult type. Last evaluated: 2022-02-02. Review status: criteria provided, single submitter. Criteria: ACMG Guidelines, 2015. Collection method: clinical testing. Allele origin: germline. Inheritance: Autosomal dominant inheritance. Affected: yes.
Comment: Based on the classification scheme VCGS_Germline_v1.3.4, this variant is classified as VUS-3B. Following criteria are met: 0102 - Loss of function is a known mechanism of disease in this gene and is associated with polycystic kidney disease 1 (MIM#173900). (I) 0107 - This gene is associated with autosomal dominant disease. Polycystic kidney disease 1 (MIM#173900) is predominantly caused by monoallelic variants, with rare reports of biallelic variants causing disease (OMIM). (I) 0200 - Variant is predicted to result in a missense amino acid change from leucine to arginine. (I) 0251 - This variant is heterozygous. (I) 0301 - Variant is absent from gnomAD (both v2 and v3). (SP) 0502 - Missense variant with conflicting in silico predictions and uninformative conservation. (I) 0600 - Variant is located in the annotated PKD5 domain (Uniprot). (I) 0705 - No comparable missense variants have previous evidence for pathogenicity. (I) 0807 - This variant has no previous evidence of pathogenicity. (I) 0905 - No published segregation evidence has been identified for this variant. (I) 1007 - No published functional evidence has been identified for this variant. (I) 1208 - Inheritance information for this variant is not currently available in this individual. (I) Legend: (SP) - Supporting pathogenic, (I) - Information, (SB) - Supporting benign

Neuberg Centre For Genomic Medicine, NCGM
Classification: Uncertain significance for Polycystic kidney disease, adult type. Review status: criteria provided, single submitter. Criteria: ACMG Guidelines, 2015. Collection method: clinical testing. Allele origin: germline. Inheritance: Autosomal dominant inheritance. Affected: yes.
Comment: The missense variant in c.3308T>G (p.Leu1103Arg) in PKD1 gene has not been reported previously as a pathogenic variant nor as a benign variant, to our knowledge. The p.Leu1103Arg variant is novel (not in any individuals) in gnomAD Exomes and 1000 Genomes. The amino acid Leu at position 1103 is changed to a Arg changing protein sequence and it might alter its composition and physico-chemical properties. The amino acid change p.Leu1103Arg in PKD1 is predicted as conserved by GERP++ and PhyloP across 100 vertebrates. For these reasons, this variant has been classified as uncertain significance.